The following is an entry in ClinVar:

NM_015909.4(NBAS):c.4226G>A (p.Trp1409Ter)

Gene: NBAS (NBAS subunit of NRZ tethering complex; minus strand). Cytogenetic location: 2p24.3.
Variant type: single nucleotide variant.
Coding change: c.4226G>A on transcript NM_015909.4 (MANE Select); coding-DNA position 4226, G replaced by A.
Protein change: p.Trp1409Ter; replaces tryptophan 1409 with a stop codon.
Molecular consequence: nonsense. On other transcripts: non-coding transcript variant (1).
Genome position (GRCh38, 1-based): chr2:15,330,719, C>T on the plus strand (G>A on the coding strand, the complement: NBAS is on the minus strand). VCF-style: chr2-15330719-C-T. GRCh37 (hg19) VCF-style: chr2-15470843-C-T.
Other names: short protein forms W1409*.
Identifiers: ClinVar variation 2019916 (VCV002019916.4), dbSNP rs748997539, ClinGen allele CA1535732.
Genomic context (GRCh38, chr2:15,330,719, plus strand): 5'-AGCACCGCTTTGGTGGTGGTTGTGGTGTTGGAAAGGACTTTCATGGTGGTAGCAGTGGTC[C>T]AGCGCAATAGGTCAGCTGAATTGCTACCTGGAACACCTACTTCATCCTGTATTAAAGAAA-3'

ClinVar aggregate classification (germline): Pathogenic (1 of 4 stars; one submission).

Allele frequency attached by ClinVar (database versions not stated): gnomAD exomes below 0.00001; ExAC 0.00001.
gnomAD v4.1: 2 of 1,614,014 alleles (0.00012%); highest among the groups gnomAD compares: East Asian, 0.0045%; no homozygotes.

Submission:

Labcorp Genetics (formerly Invitae), Labcorp
Classification: Pathogenic. Last evaluated: 2023-07-17. Review status: criteria provided, single submitter. Criteria: Invitae Variant Classification Sherloc (09022015). Collection method: clinical testing. Allele origin: germline.
Comment: For these reasons, this variant has been classified as Pathogenic. ClinVar contains an entry for this variant (Variation ID: 2019916). This variant has not been reported in the literature in individuals affected with NBAS-related conditions. This variant is present in population databases (rs748997539, gnomAD 0.006%). This sequence change creates a premature translational stop signal (p.Trp1409*) in the NBAS gene. It is expected to result in an absent or disrupted protein product. Loss-of-function variants in NBAS are known to be pathogenic (PMID: 26073778, 26541327, 27789416, 28031453).

Literature cited by the submitters: PubMed 26073778; PubMed 26541327; PubMed 27789416; PubMed 28031453.